The following is an entry in ClinVar:

ClinVar aggregate classification (germline): Uncertain significance (1 of 4 stars; one submission).

Submission:

GeneDx
Classification: Uncertain significance. Last evaluated: 2022-08-27. Review status: criteria provided, single submitter. Criteria: GeneDx Variant Classification Process June 2021. Collection method: clinical testing. Allele origin: germline. Affected: yes.
Comment: Not observed at significant frequency in large population cohorts (gnomAD); In silico analysis supports that this missense variant has a deleterious effect on protein structure/function; Has not been previously published as pathogenic or benign to our knowledge; Variants in candidate genes are classified as variants of uncertain significance in accordance with ACMG guidelines (Richards et al., 2015)

NM_001146156.2(GSK3B):c.1058G>T (p.Gly353Val)

Gene: GSK3B (glycogen synthase kinase 3 beta; minus strand). Cytogenetic location: 3q13.33.
Variant type: single nucleotide variant.
Coding change: c.1058G>T on transcript NM_001146156.2 (MANE Select); coding-DNA position 1058, G replaced by T.
Protein change: p.Gly353Val; replaces glycine 353 with valine.
Molecular consequence: missense variant.
Genome position (GRCh38, 1-based): chr3:119,863,457, C>A on the plus strand (G>T on the coding strand, the complement: GSK3B is on the minus strand). VCF-style: chr3-119863457-C-A. GRCh37 (hg19) VCF-style: chr3-119582304-C-A.
Other names: c.1058G>T, p.Gly353Val (NM_001354596.2); c.1097G>T, p.Gly366Val (NM_002093.4); short protein forms G353V, G366V.
Identifiers: ClinVar variation 3390617 (VCV003390617.1).